The following is an entry in ClinVar:

ClinVar aggregate classification (germline): Uncertain significance. Review status: criteria provided, multiple submitters, no conflicts (2 of 4 stars). 2 submissions from 2 submitters: Uncertain significance (2). Last evaluated 2024-06-23.

Conditions:
Hereditary cancer-predisposing syndrome. Also called: Hereditary Cancer Syndrome; Tumor predisposition; Hereditary neoplastic syndrome; Neoplastic Syndromes, Hereditary. Identifiers: Orphanet 140162, MedGen C0027672, MeSH D009386, MONDO:0015356.
Bloom syndrome (BLM). Also called: Bloom-Torre-Machacek syndrome. Identifiers: Orphanet 125, MedGen C0005859, MONDO:0008876, OMIM 210900.

Submissions (2):

Ambry Genetics
Classification: Uncertain significance for Hereditary cancer-predisposing syndrome. Last evaluated: 2024-06-23. Review status: criteria provided, single submitter. Criteria: Ambry Variant Classification Scheme 2023. Collection method: clinical testing. Allele origin: germline.
Comment: The p.K787E variant (also known as c.2359A>G), located in coding exon 10 of the BLM gene, results from an A to G substitution at nucleotide position 2359. The lysine at codon 787 is replaced by glutamic acid, an amino acid with similar properties. This amino acid position is conserved. In addition, this alteration is predicted to be tolerated by in silico analysis. Based on the available evidence, the clinical significance of this variant remains unclear.

Labcorp Genetics (formerly Invitae), Labcorp
Classification: Uncertain significance for Bloom syndrome. Last evaluated: 2020-06-23. Review status: criteria provided, single submitter. Criteria: Invitae Variant Classification Sherloc (09022015). Collection method: clinical testing. Allele origin: germline.
Comment: This sequence change replaces lysine with glutamic acid at codon 787 of the BLM protein (p.Lys787Glu). The lysine residue is weakly conserved and there is a small physicochemical difference between lysine and glutamic acid. This variant is not present in population databases (ExAC no frequency). This variant has not been reported in the literature in individuals with BLM-related conditions. Algorithms developed to predict the effect of missense changes on protein structure and function (SIFT, PolyPhen-2, Align-GVGD) all suggest that this variant is likely to be tolerated, but these predictions have not been confirmed by published functional studies and their clinical significance is uncertain. In summary, the available evidence is currently insufficient to determine the role of this variant in disease. Therefore, it has been classified as a Variant of Uncertain Significance.

NM_000057.4(BLM):c.2359A>G (p.Lys787Glu)

Gene: BLM (BLM RecQ like helicase; plus strand). Cytogenetic location: 15q26.1.
Variant type: single nucleotide variant.
Coding change: c.2359A>G on transcript NM_000057.4 (MANE Select); coding-DNA position 2359, A replaced by G.
Protein change: p.Lys787Glu; replaces lysine 787 with glutamic acid.
Molecular consequence: missense variant.
Genome position (GRCh38, 1-based): chr15:90,769,184, A>G. VCF-style: chr15-90769184-A-G. GRCh37 (hg19) VCF-style: chr15-91312414-A-G.
Other names: c.2359A>G (NM_000057.2); c.2359A>G, p.Lys787Glu (NM_001287246.2, NM_001287247.2); c.1234A>G, p.Lys412Glu (NM_001287248.2); short protein forms K412E, K787E.
Identifiers: ClinVar variation 1056115 (VCV001056115.10), dbSNP rs2151165751, ClinGen allele CA393845133.